The following is an entry in ClinVar:

NM_001164508.2(NEB):c.9034_9041del (p.Gly3012fs)

Gene: NEB (nebulin; minus strand). Cytogenetic location: 2q23.3.
Variant type: Deletion.
Coding change: c.9034_9041del on transcript NM_001164508.2 (MANE Select); coding-DNA positions 9034 to 9041, 8 bases deleted (GGCTATGA; older notation c.9034_9041delGGCTATGA).
Protein change: p.Gly3012fs; shifts the reading frame from glycine 3012.
Molecular consequence: frameshift variant. On other transcripts: intron variant (1).
Genome position (GRCh38, 1-based): chr2:151,636,288-151,636,295, TCATAGCC deleted on the plus strand (GGCTATGA on the coding strand, the reverse complement: NEB is on the minus strand); deleting any 8 consecutive bases within chr2:151,636,288-151,636,296 gives the same sequence; the c. name uses the placement nearest the transcript's 3' end. VCF-style (leftmost placement, unchanged base first): chr2-151636287-GTCATAGCC-G. GRCh37 (hg19) VCF-style: chr2-152492801-GTCATAGCC-G.
Other names: c.9034_9041del, p.Gly3012fs (NM_001164507.2, NM_001271208.2); c.8853+3598_8853+3605del (NM_004543.5); short protein forms G3012fs.
Identifiers: ClinVar variation 5004228 (VCV005004228.1).

ClinVar aggregate classification (germline): Pathogenic (1 of 4 stars; one submission).

Conditions:
Nemaline myopathy 2 (NEM2). Also called: Nemaline myopathy 2, autosomal recessive. Identifiers: MedGen C1850569, MONDO:0009725, OMIM 256030.

Submission:

Myriad Genetics, Inc.
Classification: Pathogenic for Nemaline myopathy 2. Last evaluated: 2025-10-16. Review status: criteria provided, single submitter. Criteria: Myriad Autosomal Dominant, Autosomal Recessive and X-Linked Classification Criteria (2023). Collection method: clinical testing. Allele origin: unknown.
Comment: NM_001271208.1(NEB):c.9034_9041del8(G3012Lfs*20) is a frameshift variant classified as pathogenic in the context of NEB-related nemaline myopathy. G3012Lfs*20 has not been observed in cases with relevant disease. Relevant functional assessments of this variant are not available in the literature. G3012Lfs*20 has not been observed in referenced population frequency databases. In summary, NM_001271208.1(NEB):c.9034_9041del8(G3012Lfs*20) is a frameshift variant in a gene where loss of function is a known mechanism of disease and is predicted to disrupt protein function. Please note: this variant was assessed in the context of healthy population screening.